The following is an entry in ClinVar:

ClinVar aggregate classification (germline): Pathogenic/Likely pathogenic. Review status: criteria provided, multiple submitters, no conflicts (2 of 4 stars). 3 submissions from 3 submitters: Pathogenic (1); Likely pathogenic (2). Last evaluated 2025-02-05.

Conditions:
Severe early-childhood-onset retinal dystrophy (STGD1). Also called: STGD; Stargardt macular dystrophy; Juvenile onset macular degeneration; Stargardt disease 1; MACULAR DYSTROPHY WITH FLECKS, TYPE 1. Identifiers: Orphanet 364055, Orphanet 827, MedGen C1855465, MeSH D000080362, MONDO:0009549, OMIM 248200.
ABCA4-related disorder. Also called: ABCA4-related disorders; ABCA4-related condition. Identifiers: MedGen CN239167.

Allele frequency attached by ClinVar (database versions not stated): gnomAD exomes below 0.00001.
gnomAD v4.1: 1 of 1,613,532 alleles (0.000062%); highest among the groups gnomAD compares: East Asian, 0.0022%; no homozygotes.

Submissions (3):

SingHealth Duke-NUS Institute of Precision Medicine
Classification: Likely pathogenic for Severe early-childhood-onset retinal dystrophy. Last evaluated: 2025-02-05. Review status: criteria provided, single submitter. Criteria: PRISM ACMG Classification Criteria. Collection method: clinical testing. Allele origin: germline. Affected: yes.
Comment: Variant is located in a mutational hotspot where >50% of variants are pathogenic (PM1). Homozygous allele count in gnomAD exomes and genomes are less than 0 (PM2). Another variant at this amino acid residue has been classified as pathogenic (PM5, p.His1406Tyr) . REVEL score is 0.683 (PP3)

Labcorp Genetics (formerly Invitae), Labcorp
Classification: Pathogenic. Last evaluated: 2023-10-23. Review status: criteria provided, single submitter. Criteria: Invitae Variant Classification Sherloc (09022015). Collection method: clinical testing. Allele origin: germline.
Comment: This sequence change replaces histidine, which is basic and polar, with arginine, which is basic and polar, at codon 1406 of the ABCA4 protein (p.His1406Arg). This variant is not present in population databases (gnomAD no frequency). This missense change has been observed in individual(s) with ABCA4-related conditions and/or Stargardt disease (PMID: 21911583, 32845068, 33090715; Invitae). In at least one individual the data is consistent with being in trans (on the opposite chromosome) from a pathogenic variant. ClinVar contains an entry for this variant (Variation ID: 1024633). Advanced modeling of protein sequence and biophysical properties (such as structural, functional, and spatial information, amino acid conservation, physicochemical variation, residue mobility, and thermodynamic stability) performed at Invitae indicates that this missense variant is expected to disrupt ABCA4 protein function. For these reasons, this variant has been classified as Pathogenic.

Blueprint Genetics
Classification: Likely pathogenic for ABCA4-related disorders. Last evaluated: 2019-12-02. Review status: criteria provided, single submitter. Criteria: ACMG Guidelines, 2015. Collection method: clinical testing. Allele origin: germline. Affected: yes. Observed: 1 variant allele.

Literature cited by the submitters: PubMed 21911583 (cited by Labcorp Genetics (formerly Invitae), Labcorp); PubMed 32845068 (cited by Labcorp Genetics (formerly Invitae), Labcorp); PubMed 33090715 (cited by Labcorp Genetics (formerly Invitae), Labcorp).

NM_000350.3(ABCA4):c.4217A>G (p.His1406Arg)

Gene: ABCA4 (ATP binding cassette subfamily A member 4; minus strand). Cytogenetic location: 1p22.1.
Variant type: single nucleotide variant.
Coding change: c.4217A>G on transcript NM_000350.3 (MANE Select); coding-DNA position 4217, A replaced by G.
Protein change: p.His1406Arg; replaces histidine 1406 with arginine.
Molecular consequence: missense variant.
Genome position (GRCh38, 1-based): chr1:94,031,032, T>C on the plus strand (A>G on the coding strand, the complement: ABCA4 is on the minus strand). VCF-style: chr1-94031032-T-C. GRCh37 (hg19) VCF-style: chr1-94496588-T-C.
Other names: c.3995A>G, p.His1332Arg (NM_001425324.1); short protein forms H1406R, H1332R.
Identifiers: ClinVar variation 1024633 (VCV001024633.10), dbSNP rs1660186858, ClinGen allele CA341286159.
Genomic context (GRCh38, chr1:94,031,032, plus strand): 5'-AATGGTGACCCCGAGTCCGCGCACCTGAAGAAGGTGTACTGCTGCCCATATATCCAGGGG[T>C]GAAGGGTCAAAGCGGGGTATTCGCCAAAAGGAGGGATAACAATAGAAAGCATCAGAGCCA-3'
Protein context (NP_000341.2, residues 1396-1416): PFGEYPALTL[His1406Arg]PWIYGQQYTF